The following is an entry in ClinVar:

NM_001111.5(ADAR):c.283A>G (p.Arg95Gly)

Gene: ADAR (adenosine deaminase RNA specific; minus strand). Cytogenetic location: 1q21.3.
Variant type: single nucleotide variant.
Coding change: c.283A>G on transcript NM_001111.5 (MANE Select); coding-DNA position 283, A replaced by G.
Protein change: p.Arg95Gly; replaces arginine 95 with glycine.
Molecular consequence: missense variant. On other transcripts: 5 prime UTR variant (3), intron variant (3).
Genome position (GRCh38, 1-based): chr1:154,602,359, T>C on the plus strand (A>G on the coding strand, the complement: ADAR is on the minus strand). VCF-style: chr1-154602359-T-C. GRCh37 (hg19) VCF-style: chr1-154574835-T-C.
Other names: c.-603A>G (NM_001025107.3, NM_001193495.2, NM_001365048.1); c.310A>G, p.Arg104Gly (NM_001365045.1); c.283A>G, p.Arg95Gly (NM_015840.4, NM_015841.4); c.-493+26A>G (NM_001365046.1, NM_001365049.1, NM_001365047.1); short protein forms R104G, R95G.
Identifiers: ClinVar variation 2073715 (VCV002073715.4), dbSNP rs2526669051, ClinGen allele CA342605015.

ClinVar aggregate classification (germline): Uncertain significance (1 of 4 stars; one submission).

Conditions:
Aicardi-Goutieres syndrome 6 (AGS6). Identifiers: Orphanet 51, MedGen C3539013, MONDO:0014007, OMIM 615010.
Symmetrical dyschromatosis of extremities (DSH). Also called: DYSCHROMATOSIS SYMMETRICA HEREDITARIA 1; Dyschromatosis symmetrica hereditaria; RETICULATE ACROPIGMENTATION OF DOHI; SYMMETRIC DYSCHROMATOSIS OF THE EXTREMITIES. Identifiers: Orphanet 41, MedGen C0406775, MONDO:0007483, OMIM 127400.

Submission:

Labcorp Genetics (formerly Invitae), Labcorp
Classification: Uncertain significance for Aicardi-Goutieres syndrome 6; Symmetrical dyschromatosis of extremities. Last evaluated: 2022-01-04. Review status: criteria provided, single submitter. Criteria: Invitae Variant Classification Sherloc (09022015). Collection method: clinical testing. Allele origin: germline.
Comment: In summary, the available evidence is currently insufficient to determine the role of this variant in disease. Therefore, it has been classified as a Variant of Uncertain Significance. Algorithms developed to predict the effect of missense changes on protein structure and function (SIFT, PolyPhen-2, Align-GVGD) all suggest that this variant is likely to be tolerated. This variant has not been reported in the literature in individuals affected with ADAR-related conditions. This variant is not present in population databases (gnomAD no frequency). This sequence change replaces arginine, which is basic and polar, with glycine, which is neutral and non-polar, at codon 95 of the ADAR protein (p.Arg95Gly).